The following is an entry in ClinVar:

NM_001430.5(EPAS1):c.1319C>G (p.Thr440Arg)

Gene: EPAS1 (endothelial PAS domain protein 1; plus strand). Cytogenetic location: 2p21.
Variant type: single nucleotide variant.
Coding change: c.1319C>G on transcript NM_001430.5 (MANE Select); coding-DNA position 1319, C replaced by G.
Protein change: p.Thr440Arg; replaces threonine 440 with arginine.
Molecular consequence: missense variant.
Genome position (GRCh38, 1-based): chr2:46,377,963, C>G. VCF-style: chr2-46377963-C-G. GRCh37 (hg19) VCF-style: chr2-46605102-C-G.
Other names: short protein forms T440R.
Identifiers: ClinVar variation 2562023 (VCV002562023.2), dbSNP rs540130771, ClinGen allele CA346703797.

ClinVar aggregate classification (germline): Uncertain significance (1 of 4 stars; one submission).

Conditions:
Inborn genetic diseases. Identifiers: MedGen C0950123, MeSH D030342.

Submission:

Ambry Genetics
Classification: Uncertain significance for Inborn genetic diseases. Last evaluated: 2023-04-13. Review status: criteria provided, single submitter. Criteria: Ambry Variant Classification Scheme 2023. Collection method: clinical testing. Allele origin: germline.
Comment: The p.T440R variant (also known as c.1319C>G), located in coding exon 10 of the EPAS1 gene, results from a C to G substitution at nucleotide position 1319. The threonine at codon 440 is replaced by arginine, an amino acid with similar properties. This amino acid position is conserved. In addition, this alteration is predicted to be tolerated by in silico analysis. Since supporting evidence is limited at this time, the clinical significance of this alteration remains unclear.